The following is an entry in ClinVar:

ClinVar aggregate classification (germline): Likely benign (1 of 4 stars; one submission).

Submission:

CeGaT Center for Human Genetics Tuebingen
Classification: Likely benign. Last evaluated: 2025-05-01. Review status: criteria provided, single submitter. Criteria: CeGaT Center For Human Genetics Tuebingen Variant Classification Criteria Version 2. Collection method: clinical testing. Allele origin: germline. Affected: yes. Observed: 1 variant allele.
Comment: TECR: PM2:Supporting, BP4, BP7

NM_138501.6(TECR):c.318C>T (p.Tyr106=)

Gene: TECR (trans-2,3-enoyl-CoA reductase; plus strand). Cytogenetic location: 19p13.12.
Variant type: single nucleotide variant.
Coding change: c.318C>T on transcript NM_138501.6 (MANE Select); coding-DNA position 318, C replaced by T.
Protein change: p.Tyr106=; no amino-acid change (tyrosine 106 retained).
Molecular consequence: synonymous variant. On other transcripts: non-coding transcript variant (2).
Genome position (GRCh38, 1-based): chr19:14,564,032, C>T. VCF-style: chr19-14564032-C-T. GRCh37 (hg19) VCF-style: chr19-14674844-C-T.
Other names: c.363C>T, p.Tyr121= (NM_001321170.1).
Identifiers: ClinVar variation 3905718 (VCV003905718.10).
Genomic context (GRCh38, chr19:14,564,032, plus strand): 5'-CTACTCTCAGGTCTTCCTAACAGAGTACGCGGGGCCCCTTTTCATCTACCTGCTCTTCTA[C>T]TTCCGAGTGCCCTTCATCTATGGCCACAAATATGACTTTACGTCCAGTCGGCATACAGTG-3'
Protein context (NP_612510.1, residues 96-116): AGPLFIYLLF[Tyr106=]FRVPFIYGHK